The following is an entry in ClinVar:

ClinVar aggregate classification (germline): Uncertain significance (1 of 4 stars; one submission).

Conditions:
Genitopatellar syndrome (GTPTS). Also called: ABSENT PATELLAE, SCROTAL HYPOPLASIA, RENAL ANOMALIES, FACIAL DYSMORPHISM, AND MENTAL RETARDATION; Genitopatellar syndrome (GPS). Identifiers: Orphanet 85201, MedGen C1853566, MONDO:0011640, OMIM 606170.

gnomAD v4.1: 2 of 1,614,146 alleles (0.00012%); highest among the groups gnomAD compares: Non-Finnish European, 0.00017%; no homozygotes.

Submission:

Labcorp Genetics (formerly Invitae), Labcorp
Classification: Uncertain significance for Genitopatellar syndrome. Last evaluated: 2021-01-02. Review status: criteria provided, single submitter. Criteria: Invitae Variant Classification Sherloc (09022015). Collection method: clinical testing. Allele origin: germline.
Comment: In summary, the available evidence is currently insufficient to determine the role of this variant in disease. Therefore, it has been classified as a Variant of Uncertain Significance. Algorithms developed to predict the effect of missense changes on protein structure and function (SIFT, PolyPhen-2, Align-GVGD) all suggest that this variant is likely to be tolerated, but these predictions have not been confirmed by published functional studies and their clinical significance is uncertain. This variant has not been reported in the literature in individuals with KAT6B-related conditions. This variant is not present in population databases (ExAC no frequency). This sequence change replaces asparagine with aspartic acid at codon 1336 of the KAT6B protein (p.Asn1336Asp). The asparagine residue is weakly conserved and there is a small physicochemical difference between asparagine and aspartic acid.

NM_012330.4(KAT6B):c.4006A>G (p.Asn1336Asp)

Gene: KAT6B (lysine acetyltransferase 6B; plus strand). Cytogenetic location: 10q22.2.
Variant type: single nucleotide variant.
Coding change: c.4006A>G on transcript NM_012330.4 (MANE Select); coding-DNA position 4006, A replaced by G.
Protein change: p.Asn1336Asp; replaces asparagine 1336 with aspartic acid.
Molecular consequence: missense variant.
Genome position (GRCh38, 1-based): chr10:75,028,830, A>G. VCF-style: chr10-75028830-A-G. GRCh37 (hg19) VCF-style: chr10-76788588-A-G.
Other names: c.3457A>G, p.Asn1153Asp (NM_001256468.2, NM_001370138.1); c.3130A>G, p.Asn1044Asp (NM_001256469.2, NM_001370139.1, NM_001370140.1 and 2 more transcripts); c.2968A>G, p.Asn990Asp (NM_001370132.1); c.2317A>G, p.Asn773Asp (NM_001370133.1); c.1921A>G, p.Asn641Asp (NM_001370134.1); c.1663A>G, p.Asn555Asp (NM_001370135.1); c.4006A>G, p.Asn1336Asp (NM_001370136.1, NM_001370137.1); c.2941A>G, p.Asn981Asp (NM_001370143.1, NM_001370144.1); short protein forms N1153D, N1044D, N1336D, N773D, N641D, N981D, N555D, N990D.
Identifiers: ClinVar variation 1514047 (VCV001514047.8), dbSNP rs2134235938, ClinGen allele CA377294977.